The following is an entry in ClinVar:

NM_000074.3(CD40LG):c.346+4G>A

Gene: CD40LG (CD40 ligand; plus strand). Cytogenetic location: Xq26.3.
Variant type: single nucleotide variant.
Coding change: c.346+4G>A on transcript NM_000074.3 (MANE Select); 4 bases into the intron after coding-DNA position 346, G replaced by A.
Molecular consequence: intron variant.
Genome position (GRCh38, 1-based): chrX:136,654,434, G>A. VCF-style: chrX-136654434-G-A. GRCh37 (hg19) VCF-style: chrX-135736593-G-A.
Identifiers: ClinVar variation 3708336 (VCV003708336.2).

ClinVar aggregate classification (germline): Uncertain significance (1 of 4 stars; one submission).

Conditions:
Hyper-IgM syndrome type 1. Also called: Hyper-IgM Immunodeficiency Syndrome, Type 1; CD40 Ligand Deficiency; X-linked hyper-IgM syndrome; Immunodeficiency, X-linked, with hyper-IgM. Identifiers: Orphanet 101088, MedGen C0398689, MONDO:0010626, OMIM 308230.

Submission:

Labcorp Genetics (formerly Invitae), Labcorp
Classification: Uncertain significance for Hyper-IgM syndrome type 1. Last evaluated: 2024-07-12. Review status: criteria provided, single submitter. Criteria: Invitae Variant Classification Sherloc (09022015). Collection method: clinical testing. Allele origin: germline.
Comment: This sequence change falls in intron 3 of the CD40LG gene. It does not directly change the encoded amino acid sequence of the CD40LG protein. It affects a nucleotide within the consensus splice site. This variant is not present in population databases (gnomAD no frequency). This variant has not been reported in the literature in individuals affected with CD40LG-related conditions. Variants that disrupt the consensus splice site are a relatively common cause of aberrant splicing (PMID: 17576681, 9536098). Algorithms developed to predict the effect of sequence changes on RNA splicing suggest that this variant is not likely to affect RNA splicing. In summary, the available evidence is currently insufficient to determine the role of this variant in disease. Therefore, it has been classified as a Variant of Uncertain Significance.

Literature cited by the submitters: PubMed 17576681; PubMed 9536098.